The following is an entry in ClinVar:

ClinVar aggregate classification (germline): Pathogenic (1 of 4 stars; one submission).

Submission:

Baylor Genetics
Classification: Pathogenic. Last evaluated: 2018-11-01. Review status: criteria provided, single submitter. Criteria: ACMG CNV Guidelines, 2011. Collection method: clinical testing. Allele origin: germline. Affected: yes. Observed: 1 variant allele.
Comment: Deletions involving this region have been previously reported in patients with astrocytoma and multiple melanoma [PMID: 24884915, 9622062]

GRCh37/hg19 9p21.3(chr9:20715401-22136489)

Genes: CDKN2A (cyclin dependent kinase inhibitor 2A; minus strand), CDKN2B (cyclin dependent kinase inhibitor 2B; minus strand), CDKN2B-AS1 (CDKN2B antisense RNA 1; plus strand), FOCAD (focadhesin; plus strand), HACD4 (3-hydroxyacyl-CoA dehydratase 4; minus strand) and 19 more. Cytogenetic location: 9p21.3.
Variant type: copy number loss.
Identifiers: ClinVar variation 625554 (VCV000625554.1).